The following is an entry in ClinVar:

NM_001365536.1(SCN9A):c.4504-15_4504-13del

Genes: SCN9A (sodium voltage-gated channel alpha subunit 9; minus strand), SCN1A-AS1 (SCN1A and SCN9A antisense RNA 1; plus strand). Cytogenetic location: 2q24.3.
Variant type: Deletion.
Coding change: c.4504-15_4504-13del on transcript NM_001365536.1 (MANE Select); 15 bases into the intron before coding-DNA position 4504 through 13 bases into the intron before coding-DNA position 4504, 3 bases deleted (CTT; older notation c.4504-15_4504-13delCTT).
Molecular consequence: intron variant.
Genome position (GRCh38, 1-based): chr2:166,204,238-166,204,240, AAG deleted on the plus strand (CTT on the coding strand, the reverse complement: SCN9A is on the minus strand); deleting any 3 consecutive bases within chr2:166,204,238-166,204,242 gives the same sequence; the c. name uses the placement nearest the transcript's 3' end. VCF-style (leftmost placement, unchanged base first): chr2-166204237-TAAG-T. GRCh37 (hg19) VCF-style: chr2-167060747-TAAG-T.
Other names: c.4471-15_4471-13del (NM_002977.4).
Identifiers: ClinVar variation 3761532 (VCV003761532.2).
Genomic context (GRCh38, chr2:166,204,237, plus strand): 5'-CAAAGGCTTGATTTGTCACTAGGTCAAATATACATCCTTGGATTTTGTTCTGCAAAGAAA[TAAG>T]AATAATATCGAATGCAGAGTAAACTTTTCAAGTATTATCCAGAAATTAAAGATGTGCATT-3'

ClinVar aggregate classification (germline): Uncertain significance (1 of 4 stars; one submission).

Conditions:
Neuropathy, hereditary sensory and autonomic, type 2A (HSAN2A). Also called: HSAN IIA; ACROOSTEOLYSIS, GIACCAI TYPE; ACROOSTEOLYSIS, NEUROGENIC; MORVAN DISEASE; NEUROPATHY, CONGENITAL SENSORY; NEUROPATHY, HEREDITARY SENSORY RADICULAR, AUTOSOMAL RECESSIVE. Identifiers: Orphanet 970, MedGen C2752089, MONDO:0024309, OMIM 201300.
Generalized epilepsy with febrile seizures plus, type 7 (GEFSP7). Also called: GEFS+, TYPE 7. Identifiers: Orphanet 36387, MedGen C2751778, MONDO:0013470, OMIM 613863.

Submission:

Labcorp Genetics (formerly Invitae), Labcorp
Classification: Uncertain significance for Neuropathy, hereditary sensory and autonomic, type 2A; Generalized epilepsy with febrile seizures plus, type 7. Last evaluated: 2024-09-14. Review status: criteria provided, single submitter. Criteria: Invitae Variant Classification Sherloc (09022015). Collection method: clinical testing. Allele origin: germline.
Comment: This sequence change falls in intron 25 of the SCN9A gene. It does not directly change the encoded amino acid sequence of the SCN9A protein. This variant is not present in population databases (gnomAD no frequency). This variant has not been reported in the literature in individuals affected with SCN9A-related conditions. Algorithms developed to predict the effect of sequence changes on RNA splicing suggest that this variant may disrupt the consensus splice site. In summary, the available evidence is currently insufficient to determine the role of this variant in disease. Therefore, it has been classified as a Variant of Uncertain Significance.